The following is an entry in ClinVar:

ClinVar aggregate classification (germline): Uncertain significance (1 of 4 stars; one submission).

Submission:

Labcorp Genetics (formerly Invitae), Labcorp
Classification: Uncertain significance. Last evaluated: 2025-12-09. Review status: criteria provided, single submitter. Criteria: Invitae Variant Classification Sherloc (09022015). Collection method: clinical testing. Allele origin: germline.
Comment: This sequence change replaces glycine, which is neutral and non-polar, with cysteine, which is neutral and slightly polar, at codon 748 of the COL11A2 protein (p.Gly748Cys). This variant is not present in population databases (gnomAD no frequency). This variant has not been reported in the literature in individuals affected with COL11A2-related conditions. Invitae Evidence Modeling of protein sequence and biophysical properties (such as structural, functional, and spatial information, amino acid conservation, physicochemical variation, residue mobility, and thermodynamic stability) indicates that this missense variant is expected to disrupt COL11A2 protein function with a positive predictive value of 95%. In summary, the available evidence is currently insufficient to determine the role of this variant in disease. Therefore, it has been classified as a Variant of Uncertain Significance.

NM_080680.3(COL11A2):c.2242G>T (p.Gly748Cys)

Gene: COL11A2 (collagen type XI alpha 2 chain; minus strand). Cytogenetic location: 6p21.32.
Variant type: single nucleotide variant.
Coding change: c.2242G>T on transcript NM_080680.3 (MANE Select); coding-DNA position 2242, G replaced by T.
Protein change: p.Gly748Cys; replaces glycine 748 with cysteine.
Molecular consequence: missense variant.
Genome position (GRCh38, 1-based): chr6:33,176,042, C>A on the plus strand (G>T on the coding strand, the complement: COL11A2 is on the minus strand). VCF-style: chr6-33176042-C-A. GRCh37 (hg19) VCF-style: chr6-33143819-C-A.
Other names: c.2062G>T, p.Gly688Cys (NM_001424108.1); c.1396G>T, p.Gly466Cys (NM_001424109.1); c.1216G>T, p.Gly406Cys (NM_001424110.1, NM_001424111.1); c.196G>T, p.Gly66Cys (NM_001424112.1); c.1921G>T, p.Gly641Cys (NM_080679.3); c.1984G>T, p.Gly662Cys (NM_080681.3); short protein forms G406C, G466C, G641C, G662C, G66C, G688C, G748C.
Identifiers: ClinVar variation 4801324 (VCV004801324.1).
Genomic context (GRCh38, chr6:33,176,042, plus strand): 5'-ACGGAATTGGGGCCAGTGTGGGGTCTCTACTCACCCTGTCACCTTTCACGCCTATGTCAC[C>A]TTTGAACCCAGGAAAGCCATCCTCACCCTGAGAAAGATAGAGGTGAGAGGGCACCACAGA-3'
Protein context (NP_542411.2, residues 738-758): KGEDGFPGFK[Gly748Cys]DIGVKGDRGE